The following is an entry in ClinVar:

NM_000138.5(FBN1):c.1471G>A (p.Val491Ile)

Gene: FBN1 (fibrillin 1; minus strand). Cytogenetic location: 15q21.1.
Variant type: single nucleotide variant.
Coding change: c.1471G>A on transcript NM_000138.5 (MANE Select); coding-DNA position 1471, G replaced by A.
Protein change: p.Val491Ile; replaces valine 491 with isoleucine.
Molecular consequence: missense variant.
Genome position (GRCh38, 1-based): chr15:48,513,666, C>T on the plus strand (G>A on the coding strand, the complement: FBN1 is on the minus strand). VCF-style: chr15-48513666-C-T. GRCh37 (hg19) VCF-style: chr15-48805863-C-T.
Other names: short protein forms V491I.
Identifiers: ClinVar variation 1305164 (VCV001305164.5), dbSNP rs373751659, ClinGen allele CA044841.
Genomic context (GRCh38, chr15:48,513,666, plus strand): 5'-ACGAACCCTGGTTGTTAATACACTCACCACCAGCACAGGGGTTTTTCTCACATTCATCAA[C>T]ATCTGCAAAGCACAATGTATTTTAGTGCAAAATTACATAGCAATACCTCATAATTCTAAG-3'
Protein context (NP_000129.3, residues 481-501): QLDLRGECID[Val491Ile]DECEKNPCAG

ClinVar aggregate classification (germline): Uncertain significance. Review status: criteria provided, multiple submitters, no conflicts (2 of 4 stars). 2 submissions from 2 submitters: Uncertain significance (2). Last evaluated 2023-08-08.

Conditions:
Marfan syndrome (MFS). Also called: Marfan syndrome type 1; Marfan's syndrome; FBN1-Related Marfan Syndrome; MARFAN SYNDROME, TYPE I; Marfan syndrome, classic. Identifiers: Orphanet 284963, Orphanet 558, MedGen C0024796, MONDO:0007947, OMIM 154700.
Familial thoracic aortic aneurysm and aortic dissection (TAAD). Also called: Thoracic aortic aneurysms and dissections. Identifiers: Orphanet 91387, MedGen C4707243, MONDO:0019625.

Allele frequency attached by ClinVar (database versions not stated): ExAC 0.00001; gnomAD 0.00001; ESP Exome Variant Server 0.00008; TOPMed 0.00001.
gnomAD v4.1: 4 of 1,613,826 alleles (0.00025%); highest among the groups gnomAD compares: Admixed American, 0.0033%; no homozygotes.

Submissions (2):

Labcorp Genetics (formerly Invitae), Labcorp
Classification: Uncertain significance for Marfan syndrome; Familial thoracic aortic aneurysm and aortic dissection. Last evaluated: 2023-08-08. Review status: criteria provided, single submitter. Criteria: Invitae Variant Classification Sherloc (09022015). Collection method: clinical testing. Allele origin: germline.
Comment: ClinVar contains an entry for this variant (Variation ID: 1305164). This sequence change replaces valine, which is neutral and non-polar, with isoleucine, which is neutral and non-polar, at codon 491 of the FBN1 protein (p.Val491Ile). This variant is present in population databases (rs373751659, gnomAD 0.003%). This variant has not been reported in the literature in individuals affected with FBN1-related conditions. Algorithms developed to predict the effect of missense changes on protein structure and function output the following: SIFT: "Not Available"; PolyPhen-2: "Benign"; Align-GVGD: "Not Available". The isoleucine amino acid residue is found in multiple mammalian species, which suggests that this missense change does not adversely affect protein function. In summary, the available evidence is currently insufficient to determine the role of this variant in disease. Therefore, it has been classified as a Variant of Uncertain Significance.

GeneDx
Classification: Uncertain significance. Last evaluated: 2019-04-15. Review status: criteria provided, single submitter. Criteria: GeneDx Variant Classification Process June 2021. Collection method: clinical testing. Allele origin: germline. Affected: yes.
Comment: Not observed at a significant frequency in large population cohorts (Lek et al., 2016); In silico analysis, which includes protein predictors and evolutionary conservation, supports that this variant does not alter protein structure/function; Has not been previously published as pathogenic or benign to our knowledge; Although located in a calcium-binding EGF-like domain of the FBN1 gene, it does not affect a cysteine residue within this domain; cysteine substitutions in the calcium-binding EGF-like domains represent the majority of pathogenic missense changes associated with FBN1 related disorders (Collod-Beroud et al., 2003)